The following is an entry in ClinVar:

ClinVar aggregate classification (germline): Uncertain significance (1 of 4 stars; one submission).

Conditions:
Arrhythmogenic cardiomyopathy with wooly hair and keratoderma. Also called: Arrhythmogenic cardiomyopathy with woolly hair and keratoderma; PALMOPLANTAR KERATODERMA WITH LEFT VENTRICULAR CARDIOMYOPATHY AND WOOLLY HAIR; Carvajal syndrome; Dilated cardiomyopathy with woolly hair and keratoderma. Identifiers: Orphanet 65282, MedGen C1854063, MONDO:0011581, OMIM 605676.
Arrhythmogenic right ventricular dysplasia 8 (ARVD8). Also called: Arrhythmogenic Right Ventricular Dysplasia/Cardiomyopathy 8; ARRHYTHMOGENIC RIGHT VENTRICULAR DYSPLASIA, FAMILIAL, 8; ARRHYTHMOGENIC RIGHT VENTRICULAR CARDIOMYOPATHY 8. Identifiers: MedGen C1843896, MONDO:0011831, OMIM 607450.

gnomAD v4.1: 2 of 1,614,044 alleles (0.00012%); highest among the groups gnomAD compares: East Asian, 0.0022%; no homozygotes.

Submission:

Labcorp Genetics (formerly Invitae), Labcorp
Classification: Uncertain significance for Arrhythmogenic cardiomyopathy with wooly hair and keratoderma; Arrhythmogenic right ventricular dysplasia 8. Last evaluated: 2024-03-11. Review status: criteria provided, single submitter. Criteria: Invitae Variant Classification Sherloc (09022015). Collection method: clinical testing. Allele origin: germline.
Comment: This sequence change replaces asparagine, which is neutral and polar, with serine, which is neutral and polar, at codon 755 of the DSP protein (p.Asn755Ser). This variant is present in population databases (no rsID available, gnomAD 0.0009%). This variant has not been reported in the literature in individuals affected with DSP-related conditions. An algorithm developed to predict the effect of missense changes on protein structure and function (PolyPhen-2) suggests that this variant is likely to be disruptive. In summary, the available evidence is currently insufficient to determine the role of this variant in disease. Therefore, it has been classified as a Variant of Uncertain Significance.

NM_004415.4(DSP):c.2264A>G (p.Asn755Ser)

Gene: DSP (desmoplakin; plus strand). Cytogenetic location: 6p24.3.
Variant type: single nucleotide variant.
Coding change: c.2264A>G on transcript NM_004415.4 (MANE Select); coding-DNA position 2264, A replaced by G.
Protein change: p.Asn755Ser; replaces asparagine 755 with serine.
Molecular consequence: missense variant.
Genome position (GRCh38, 1-based): chr6:7,574,219, A>G. VCF-style: chr6-7574219-A-G. GRCh37 (hg19) VCF-style: chr6-7574452-A-G.
Other names: c.2264A>G, p.Asn755Ser (NM_001319034.2, NM_001008844.3); short protein forms N755S.
Identifiers: ClinVar variation 3762706 (VCV003762706.2).
Genomic context (GRCh38, chr6:7,574,219, plus strand): 5'-GTTCTGAAAAGTACTGCTATTTACAGAATGAAGTATTTGGACTATTTCAGAAACTGGAAA[A>G]TATCAATGGTGTTACAGATGGCTACTTAAATAGGTAAACTCAGCTAACACTAATCTCATA-3'
Protein context (NP_004406.2, residues 745-765): EVFGLFQKLE[Asn755Ser]INGVTDGYLN